The following is an entry in ClinVar:

NM_000844.4(GRM7):c.1837A>G (p.Ile613Val)

Gene: GRM7 (glutamate metabotropic receptor 7; plus strand). Cytogenetic location: 3p26.1.
Variant type: single nucleotide variant.
Coding change: c.1837A>G on transcript NM_000844.4 (MANE Select); coding-DNA position 1837, A replaced by G.
Protein change: p.Ile613Val; replaces isoleucine 613 with valine.
Molecular consequence: missense variant.
Genome position (GRCh38, 1-based): chr3:7,578,743, A>G. VCF-style: chr3-7578743-A-G. GRCh37 (hg19) VCF-style: chr3-7620430-A-G.
Other names: c.1837A>G, p.Ile613Val (NM_181874.3); short protein forms I613V.
Identifiers: ClinVar variation 1695683 (VCV001695683.2), dbSNP rs1276936828, ClinGen allele CA351799543.

ClinVar aggregate classification (germline): Uncertain significance (1 of 4 stars; one submission).

Allele frequency attached by ClinVar (database versions not stated): gnomAD exomes below 0.00001; TOPMed below 0.00001; gnomAD 0.00001.
gnomAD v4.1: 7 of 1,613,906 alleles (0.00043%); highest among the groups gnomAD compares: Non-Finnish European, 0.00059%; no homozygotes.

Submission:

GeneDx
Classification: Uncertain significance. Last evaluated: 2022-01-09. Review status: criteria provided, single submitter. Criteria: GeneDx Variant Classification Process June 2021. Collection method: clinical testing. Allele origin: germline. Affected: yes.
Comment: Not observed at significant frequency in large population cohorts (gnomAD); In silico analysis supports that this missense variant does not alter protein structure/function; Has not been previously published as pathogenic or benign to our knowledge